The following is an entry in ClinVar:

NM_001429.4(EP300):c.5153A>T (p.Asn1718Ile)

Gene: EP300 (EP300 lysine acetyltransferase; plus strand). Cytogenetic location: 22q13.2.
Variant type: single nucleotide variant.
Coding change: c.5153A>T on transcript NM_001429.4 (MANE Select); coding-DNA position 5153, A replaced by T.
Protein change: p.Asn1718Ile; replaces asparagine 1718 with isoleucine.
Molecular consequence: missense variant.
Genome position (GRCh38, 1-based): chr22:41,176,864, A>T. VCF-style: chr22-41176864-A-T. GRCh37 (hg19) VCF-style: chr22-41572868-A-T.
Other names: c.5075A>T, p.Asn1692Ile (NM_001362843.2); short protein forms N1718I, N1692I.
Identifiers: ClinVar variation 2102361 (VCV002102361.4), dbSNP rs1323901624, ClinGen allele CA411708322.

ClinVar aggregate classification (germline): Uncertain significance (1 of 4 stars; one submission).

Conditions:
Rubinstein-Taybi syndrome due to EP300 haploinsufficiency. Also called: EP300-Related Rubinstein-Taybi Syndrome; RUBINSTEIN-TAYBI SYNDROME 2. Identifiers: Orphanet 353284, Orphanet 783, MedGen C3150941, MONDO:0013364, OMIM 613684.

Submission:

Labcorp Genetics (formerly Invitae), Labcorp
Classification: Uncertain significance for Rubinstein-Taybi syndrome due to EP300 haploinsufficiency. Last evaluated: 2022-02-23. Review status: criteria provided, single submitter. Criteria: Invitae Variant Classification Sherloc (09022015). Collection method: clinical testing. Allele origin: germline.
Comment: This sequence change replaces asparagine, which is neutral and polar, with isoleucine, which is neutral and non-polar, at codon 1718 of the EP300 protein (p.Asn1718Ile). This variant is not present in population databases (gnomAD no frequency). This variant has not been reported in the literature in individuals affected with EP300-related conditions. Advanced modeling of protein sequence and biophysical properties (such as structural, functional, and spatial information, amino acid conservation, physicochemical variation, residue mobility, and thermodynamic stability) performed at Invitae indicates that this missense variant is not expected to disrupt EP300 protein function. In summary, the available evidence is currently insufficient to determine the role of this variant in disease. Therefore, it has been classified as a Variant of Uncertain Significance.